The following is an entry in ClinVar:

ClinVar aggregate classification (germline): Likely pathogenic. Review status: criteria provided, single submitter (1 of 4 stars). 2 submissions from 2 submitters: Likely pathogenic (1). 1 of the submissions does not count toward it. Last evaluated 2023-03-09.

Conditions:
Intellectual developmental disorder with microcephaly and with or without ocular malformations or hypogonadotropic hypogonadism. Also called: Intellectual disability, autosomal dominant 27; Coffin-Siris Syndrome 9. Identifiers: Orphanet 1465, MedGen C4014528, MONDO:0014376, OMIM 615866.

Submissions (2):

SIB Swiss Institute of Bioinformatics
Classification: Likely pathogenic for Intellectual developmental disorder with microcephaly and with or without ocular malformations or hypogonadotropic hypogonadism. Last evaluated: 2023-03-09. Review status: criteria provided, single submitter. Criteria: ACMG Guidelines, 2015. Collection method: curation. Allele origin: unknown.
Comment: This variant is interpreted as likely pathogenic for Intellectual developmental disorder with microcephaly and with or without ocular malformations or hypogonadotropic hypogonadism, autosomal dominant. The following ACMG Tag(s) were applied: Absent from controls (or at extremely low frequency if recessive) in Exome Sequencing Project, 1000 Genomes Project, or Exome Aggregation Consortium (PM2); De novo paternity and maternity not confirmed (PM6); Protein length changes as a result of in-frame deletions/insertions in a nonrepeat region or stop-loss variants (PM4 upgraded to strong; loss of a region necessary for transcriptional activation activity).

OMIM
Classification: Pathogenic for INTELLECTUAL DEVELOPMENTAL DISORDER WITH OCULAR MALFORMATIONS. Last evaluated: 2023-03-14. Review status: no assertion criteria provided. Collection method: literature only. Allele origin: germline. Not counted in ClinVar's aggregate classification.

Literature cited by the submitters: PubMed 35938035 (cited by SIB Swiss Institute of Bioinformatics and OMIM).

NM_003108.4(SOX11):c.820A>T (p.Lys274Ter)

Gene: SOX11 (SRY-box transcription factor 11; plus strand). Cytogenetic location: 2p25.2.
Variant type: single nucleotide variant.
Coding change: c.820A>T on transcript NM_003108.4 (MANE Select); coding-DNA position 820, A replaced by T.
Protein change: p.Lys274Ter; replaces lysine 274 with a stop codon.
Molecular consequence: nonsense.
Genome position (GRCh38, 1-based): chr2:5,693,541, A>T. VCF-style: chr2-5693541-A-T. GRCh37 (hg19) VCF-style: chr2-5833673-A-T.
Other names: short protein forms K274*.
Identifiers: ClinVar variation 2443027 (VCV002443027.2), dbSNP rs2465088378, ClinGen allele CA345867517.